The following is an entry in ClinVar:

ClinVar aggregate classification (germline): Likely pathogenic (1 of 4 stars; one submission).

gnomAD v4.1: 29 of 1,613,580 alleles (0.0018%); highest among the groups gnomAD compares: East Asian, 0.049%; no homozygotes.

Submission:

Labcorp Genetics (formerly Invitae), Labcorp
Classification: Likely pathogenic. Last evaluated: 2025-11-17. Review status: criteria provided, single submitter. Criteria: Invitae Variant Classification Sherloc (09022015). Collection method: clinical testing. Allele origin: germline.
Comment: This sequence change affects a donor splice site in intron 2 of the UBE2T gene. It is expected to disrupt RNA splicing. Variants that disrupt the donor or acceptor splice site typically lead to a loss of protein function (PMID: 16199547), and loss-of-function variants in UBE2T are known to be pathogenic (PMID: 26046368, 26119737). This variant is present in population databases (rs765342427, gnomAD 0.06%). Disruption of this splice site has been observed in individual(s) with Fanconi anemia (PMID: 38735735). ClinVar contains an entry for this variant (Variation ID: 3613846). Algorithms developed to predict the effect of sequence changes on RNA splicing suggest that this variant may disrupt the consensus splice site. In summary, the currently available evidence indicates that the variant is pathogenic, but additional data are needed to prove that conclusively. Therefore, this variant has been classified as Likely Pathogenic.

Literature cited by the submitters: PubMed 16199547; PubMed 26046368; PubMed 26119737; PubMed 38735735.

NM_014176.4(UBE2T):c.109+1G>A

Gene: UBE2T (ubiquitin conjugating enzyme E2 T; minus strand). Cytogenetic location: 1q32.1.
Variant type: single nucleotide variant.
Coding change: c.109+1G>A on transcript NM_014176.4 (MANE Select); the canonical splice donor site of the intron after coding-DNA position 109, G replaced by A.
Molecular consequence: splice donor variant. On other transcripts: missense variant (1).
Genome position (GRCh38, 1-based): chr1:202,335,645, C>T on the plus strand (G>A on the coding strand, the complement: UBE2T is on the minus strand). VCF-style: chr1-202335645-C-T. GRCh37 (hg19) VCF-style: chr1-202304773-C-T.
Other names: c.16G>A, p.Val6Ile (NM_001310326.2); short protein forms V6I.
Identifiers: ClinVar variation 3613846 (VCV003613846.2).
Genomic context (GRCh38, chr1:202,335,645, plus strand): 5'-TATTTCAGCACAATCTTCAATAGGGTCATGACTTTCATCATATACATGATTTGATACCTA[C>T]GAGCTCGCAGGTCATCCATTTGGTCTTTATCTTGCCAACATGTGATGCCTGGGGGTGGCT-3'